The following is an entry in ClinVar:

ClinVar aggregate classification (germline): Pathogenic/Likely pathogenic. Review status: criteria provided, multiple submitters, no conflicts (2 of 4 stars). 15 submissions from 15 submitters: Pathogenic (9); Likely pathogenic (3). 3 of the submissions do not count toward it. Last evaluated 2026-05-01.

Conditions:
TXNL4A-related disorder. Also called: TXNL4A-related condition.
Choanal atresia-hearing loss-cardiac defects-craniofacial dysmorphism syndrome (BMKS). Also called: Branchio oculo facial syndrome Hing type; Burn-McKeown syndrome; OCULOOTOFACIAL DYSPLASIA; Burn-McKeown Syndrome (BMKS). Identifiers: Orphanet 1200, MedGen C1837822, MONDO:0012064, OMIM 608572.

Submissions (15):

CeGaT Center for Human Genetics Tuebingen
Classification: Pathogenic. Last evaluated: 2026-05-01. Review status: criteria provided, single submitter. Criteria: CeGaT Center For Human Genetics Tuebingen Variant Classification Criteria Version 2. Collection method: clinical testing. Allele origin: germline. Affected: yes. Observed: 2 variant alleles.
Comment: TXNL4A: PM3:Very Strong, PM2:Supporting, PS3:Supporting

Dasa
Classification: Pathogenic. Last evaluated: 2026-02-25. Review status: criteria provided, single submitter. Criteria: DASA Assertion Criteria. Collection method: clinical testing. Allele origin: germline.
Comment: NM_001305563.2(TXNL4A):c.-60-10913_-60-10880del is an intronic variant. Segregation data support an association with disease in the reported family/families. This variant has been observed in affected individuals with TXNL4A-related disorders. Also, this variant is rare in population databases. Based on the currently available evidence, this variant is classified as pathogenic.

Revvity Omics, Revvity
Classification: Pathogenic for Choanal atresia-hearing loss-cardiac defects-craniofacial dysmorphism syndrome. Last evaluated: 2025-04-01. Review status: criteria provided, single submitter. Criteria: ACMG Guidelines, 2015. Collection method: clinical testing. Allele origin: germline.

First Genomix Gene Laboratory, Genetic Diagnostics Department
Classification: Likely pathogenic for Choanal atresia-hearing loss-cardiac defects-craniofacial dysmorphism syndrome. Last evaluated: 2025-03-27. Review status: criteria provided, single submitter. Criteria: ACMG Guidelines, 2015. Collection method: clinical testing. Allele origin: germline. Inheritance: Autosomal recessive inheritance. Affected: no. Observed: 1 variant allele.

Genomic Medicine Center of Excellence, King Faisal Specialist Hospital and Research Centre
Classification: Likely pathogenic for Choanal atresia-hearing loss-cardiac defects-craniofacial dysmorphism syndrome. Last evaluated: 2024-12-18. Review status: criteria provided, single submitter. Criteria: ACMG Guidelines, 2015. Collection method: clinical testing. Allele origin: germline.

Blueprint Genetics
Classification: Pathogenic for TXNL4A-related disorders. Last evaluated: 2024-11-28. Review status: criteria provided, single submitter. Criteria: ACMG Guidelines, 2015. Collection method: clinical testing. Allele origin: germline. Affected: yes. Observed: 5 variant alleles.

GeneDx
Classification: Pathogenic. Last evaluated: 2024-10-28. Review status: criteria provided, single submitter. Criteria: GeneDx Variant Classification Process June 2021. Collection method: clinical testing. Allele origin: germline. Affected: yes.
Comment: Published functional studies suggest a damaging effect: reduced transcriptional activity (PMID: 25434003); This variant is associated with the following publications: (PMID: 32735620, 25434003, 34426522, 28905882)

Fulgent Genetics
Classification: Pathogenic for Choanal atresia-hearing loss-cardiac defects-craniofacial dysmorphism syndrome. Last evaluated: 2024-04-26. Review status: criteria provided, single submitter. Criteria: ACMG Guidelines, 2015. Collection method: clinical testing. Allele origin: germline.

Department of Pathology and Laboratory Medicine, Sinai Health System
Classification: Likely pathogenic for Choanal atresia-hearing loss-cardiac defects-craniofacial dysmorphism syndrome. Last evaluated: 2023-05-23. Review status: criteria provided, single submitter. Criteria: ACMG Guidelines, 2015. Collection method: research. Allele origin: germline.

Women's Health and Genetics/Laboratory Corporation of America, LabCorp
Classification: Pathogenic for Choanal atresia-hearing loss-cardiac defects-craniofacial dysmorphism syndrome. Last evaluated: 2022-10-21. Review status: criteria provided, single submitter. Criteria: LabCorp Variant Classification Summary - May 2015. Collection method: clinical testing. Allele origin: germline.
Comment: Variant summary: TXNL4A c.-222_-189del34 is a deletion in the promoter region. 4/4 computational tools predict no significant impact on normal splicing. The variant allele was found at a frequency of 0.0036 in 31196 control chromosomes. This frequency is not significantly higher than expected for a pathogenic variant in TXNL4A causing Choanal Atresia-Hearing Loss-Cardiac Defects-Craniofacial Dysmorphism Syndrome (0.0036 vs ND), allowing no conclusion about variant significance. c.-222_-189del34 has been reported in the literature in multiple individuals affected with Choanal Atresia-Hearing Loss-Cardiac Defects-Craniofacial Dysmorphism Syndrome. These data indicate that the variant is very likely to be associated with disease. At least one publication reports experimental evidence evaluating an impact on protein function and showed that this deletion resulted in a decrease of TXNL4A expression to about 40% of wild type. Four clinical diagnostic laboratories have submitted clinical-significance assessments for this variant to ClinVar after 2014 without evidence for independent evaluation (pathogenic/likely pathogenic n=3, VUS n=1). Based on the evidence outlined above, the variant was classified as pathogenic.

Mendelics
Classification: Pathogenic for Choanal atresia-hearing loss-cardiac defects-craniofacial dysmorphism syndrome. Last evaluated: 2022-05-04. Review status: criteria provided, single submitter. Criteria: Mendelics Assertion Criteria 2019. Collection method: clinical testing. Allele origin: germline.

Juno Genomics, Hangzhou Juno Genomics, Inc
Classification: Pathogenic for Choanal atresia-hearing loss-cardiac defects-craniofacial dysmorphism syndrome. Review status: criteria provided, single submitter. Criteria: ACMG Guidelines, 2015. Collection method: clinical testing. Allele origin: germline.
Comment: For recessive disorders, detected in trans with a pathogenic variant.;Well-established in vitro or in vivo functional studies supportive of a damaging effect on the gene or gene product.

OMIM
Classification: Pathogenic for BURN-MCKEOWN SYNDROME. Last evaluated: 2014-12-04. Review status: no assertion criteria provided. Collection method: literature only. Allele origin: germline. Not counted in ClinVar's aggregate classification.

GeneReviews
No classification provided. Condition: Choanal atresia-hearing loss-cardiac defects-craniofacial dysmorphism syndrome. Review status: no classification provided. Collection method: literature only. Allele origin: germline. Affected: yes. Not counted in ClinVar's aggregate classification.
Comment: Type 1 promoter deletion

Department of Clinical Genetics, Copenhagen University Hospital, Rigshospitalet
Classification: Uncertain significance for Choanal atresia-hearing loss-cardiac defects-craniofacial dysmorphism syndrome. Last evaluated: 2021-08-01. Review status: flagged submission. Criteria: ACMG Guidelines, 2015. Collection method: clinical testing. Allele origin: unknown. Affected: yes. Not counted in ClinVar's aggregate classification.
ClinVar note: Reason: Outlier claim with insufficient supporting evidence

Literature cited by the submitters: PubMed 25434003 (cited by 3 submitters); PubMed 34713892 (cited by Women's Health and Genetics/Laboratory Corporation of America, LabCorp and OMIM); PubMed 1342861 (cited by OMIM); PubMed 14564154 (cited by OMIM); NCBI Bookshelf NBK373577 (cited by GeneReviews).

NC_000018.9:g.77748581_77748614del34

Genes: TXNL4A (thioredoxin like 4A; minus strand), LOC130062794 (ATAC-STARR-seq lymphoblastoid silent region 9585; plus strand). Cytogenetic location: 18q23.
Variant type: Deletion.
Molecular consequence: genic upstream transcript variant (on NM_006701.5). On other transcripts: intron variant (2).
Genome position: GRCh38: chr18:79,988,603-79,988,636. GRCh37 (hg19): chr18:77,748,603-77,748,636.
Other names: c.-222_-189del34 (NM_006701.4); c.-60-10913_-60-10880del (NM_001305564.2, NM_001305563.2); c.-222_-189del (NM_006701.5, NM_001305557.2).
Identifiers: ClinVar variation 162203 (VCV000162203.38), dbSNP rs535089924, ClinGen allele CA174996.